The following is an entry in ClinVar:

ClinVar aggregate classification (germline): Benign (0 of 4 stars; one submission).

Conditions:
CENPT-related disorder. Also called: CENPT-related condition.

Allele frequency attached by ClinVar (database versions not stated): ESP Exome Variant Server 0.00282; gnomAD exomes 0.00825; gnomAD 0.01172; TOPMed 0.01188; ExAC 0.01712; 1000 Genomes Project 30x 0.02545; 1000 Genomes Project 0.02576.
gnomAD v4.1: 13,784 of 1,608,310 alleles (0.86%); highest among the groups gnomAD compares: East Asian, 12%; 459 homozygotes.

Submission:

PreventionGenetics, part of Exact Sciences
Classification: Benign for CENPT-related condition. Last evaluated: 2019-11-11. Review status: no assertion criteria provided. Collection method: clinical testing. Allele origin: germline.
Comment: This variant is classified as benign based on ACMG/AMP sequence variant interpretation guidelines (Richards et al. 2015 PMID: 25741868, with internal and published modifications).

NM_025082.4(CENPT):c.364A>G (p.Arg122Gly)

Gene: CENPT (centromere protein T; minus strand). Cytogenetic location: 16q22.1.
Variant type: single nucleotide variant.
Coding change: c.364A>G on transcript NM_025082.4 (MANE Select); coding-DNA position 364, A replaced by G.
Protein change: p.Arg122Gly; replaces arginine 122 with glycine.
Molecular consequence: missense variant.
Genome position (GRCh38, 1-based): chr16:67,832,034, T>C on the plus strand (A>G on the coding strand, the complement: CENPT is on the minus strand). VCF-style: chr16-67832034-T-C. GRCh37 (hg19) VCF-style: chr16-67865937-T-C.
Other names: short protein forms R122G.
Identifiers: ClinVar variation 3037784 (VCV003037784.2), dbSNP rs11558533, ClinGen allele CA8117921.